The following is an entry in ClinVar:

ClinVar aggregate classification (germline): Uncertain significance. Review status: criteria provided, multiple submitters, no conflicts (2 of 4 stars). 2 submissions from 2 submitters: Uncertain significance (2). Last evaluated 2023-09-27.

Conditions:
Alagille syndrome due to a JAG1 point mutation. Also called: Alagille Syndrome 1; HEPATIC DUCTULAR HYPOPLASIA, SYNDROMATIC; JAG1-Related Alagille Syndrome. Identifiers: Orphanet 261619, Orphanet 52, MedGen C1956125, MONDO:0016862, OMIM 118450.
Cardiovascular phenotype. Identifiers: MedGen CN230736.

Allele frequency attached by ClinVar (database versions not stated): gnomAD exomes below 0.00001; ExAC 0.00001; ESP Exome Variant Server 0.00008.

Submissions (2):

Labcorp Genetics (formerly Invitae), Labcorp
Classification: Uncertain significance for Alagille syndrome due to a JAG1 point mutation. Last evaluated: 2023-09-27. Review status: criteria provided, single submitter. Criteria: Invitae Variant Classification Sherloc (09022015). Collection method: clinical testing. Allele origin: germline.
Comment: This sequence change replaces aspartic acid, which is acidic and polar, with asparagine, which is neutral and polar, at codon 816 of the JAG1 protein (p.Asp816Asn). The frequency data for this variant in the population databases is considered unreliable, as metrics indicate poor data quality at this position in the gnomAD database. This variant has not been reported in the literature in individuals affected with JAG1-related conditions. Advanced modeling of protein sequence and biophysical properties (such as structural, functional, and spatial information, amino acid conservation, physicochemical variation, residue mobility, and thermodynamic stability) has been performed at Invitae for this missense variant, however the output from this modeling did not meet the statistical confidence thresholds required to predict the impact of this variant on JAG1 protein function. In summary, the available evidence is currently insufficient to determine the role of this variant in disease. Therefore, it has been classified as a Variant of Uncertain Significance.

Ambry Genetics
Classification: Uncertain significance for Cardiovascular phenotype. Last evaluated: 2023-08-29. Review status: criteria provided, single submitter. Criteria: Ambry Variant Classification Scheme 2023. Collection method: clinical testing. Allele origin: germline.
Comment: The p.D816N variant (also known as c.2446G>A), located in coding exon 20 of the JAG1 gene, results from a G to A substitution at nucleotide position 2446. The aspartic acid at codon 816 is replaced by asparagine, an amino acid with highly similar properties. This amino acid position is conserved. In addition, this alteration is predicted to be tolerated by in silico analysis. Since supporting evidence is limited at this time, the clinical significance of this alteration remains unclear.

NM_000214.3(JAG1):c.2446G>A (p.Asp816Asn)

Gene: JAG1 (jagged canonical Notch ligand 1; minus strand). Cytogenetic location: 20p12.2.
Variant type: single nucleotide variant.
Coding change: c.2446G>A on transcript NM_000214.3 (MANE Select); coding-DNA position 2446, G replaced by A.
Protein change: p.Asp816Asn; replaces aspartic acid 816 with asparagine.
Molecular consequence: missense variant.
Genome position (GRCh38, 1-based): chr20:10,643,790, C>T on the plus strand (G>A on the coding strand, the complement: JAG1 is on the minus strand). VCF-style: chr20-10643790-C-T. GRCh37 (hg19) VCF-style: chr20-10624438-C-T.
Other names: short protein forms D816N.
Identifiers: ClinVar variation 2624844 (VCV002624844.5), dbSNP rs374941347, ClinGen allele CA9764502.